The following is an entry in ClinVar:

NM_004036.5(ADCY3):c.3004-6G>A

Genes: ADCY3 (adenylate cyclase 3; minus strand), CENPO (centromere protein O; plus strand). Cytogenetic location: 2p23.3.
Variant type: single nucleotide variant.
Coding change: c.3004-6G>A on transcript NM_004036.5 (MANE Select); 6 bases into the intron before coding-DNA position 3004, G replaced by A.
Molecular consequence: intron variant. On other transcripts: 3 prime UTR variant (3), non-coding transcript variant (3).
Genome position (GRCh38, 1-based): chr2:24,821,646, C>T on the plus strand (G>A on the coding strand, the complement: ADCY3 is on the minus strand). VCF-style: chr2-24821646-C-T. GRCh37 (hg19) VCF-style: chr2-25044515-C-T.
Other names: c.*2328C>T (NM_001199803.3, NM_001322101.2, NM_024322.4); c.2452-6G>A (NM_001377130.1); c.2866-6G>A (NM_001377129.1); c.3007-6G>A (NM_001320613.2); c.3070-6G>A (NM_001377128.1); c.3004-6G>A (NM_001377132.1); c.2281-6G>A (NM_001377131.1).
Identifiers: ClinVar variation 4990882 (VCV004990882.1).

ClinVar aggregate classification (germline): Likely benign (1 of 4 stars; one submission).

Conditions:
ADCY3-related disorder. Also called: ADCY3-related condition.

Submission:

PreventionGenetics, part of Exact Sciences
Classification: Likely benign for ADCY3-related condition. Last evaluated: 2025-11-13. Review status: criteria provided, single submitter. Criteria: ACMG Guidelines, 2015. Collection method: clinical testing. Allele origin: germline.
Comment: This variant is classified as likely benign based on ACMG/AMP sequence variant interpretation guidelines (Richards et al. 2015 PMID: 25741868, with internal and published modifications).